The following is an entry in ClinVar:

ClinVar aggregate classification (germline): Conflicting classifications of pathogenicity. Review status: criteria provided, conflicting classifications (1 of 4 stars). 5 submissions from 5 submitters: Likely pathogenic (2); Uncertain significance (3). Last evaluated 2026-01-25.

Conditions:
Succinate-semialdehyde dehydrogenase deficiency (SSADHD). Also called: 4-HYDROXYBUTYRIC ACIDURIA; Succinic Semialdehyde Dehydrogenase Deficiency; SSADH DEFICIENCY; GABA METABOLIC DEFECT. Identifiers: Orphanet 22, MedGen C0268631, MONDO:0010083, OMIM 271980.

Allele frequency attached by ClinVar (database versions not stated): TOPMed 0.00003.
gnomAD v4.1: 57 of 1,613,988 alleles (0.0035%); highest among the groups gnomAD compares: Non-Finnish European, 0.0045%; no homozygotes.

Submissions (5):

Labcorp Genetics (formerly Invitae), Labcorp
Classification: Likely pathogenic for Succinate-semialdehyde dehydrogenase deficiency. Last evaluated: 2026-01-25. Review status: criteria provided, single submitter. Criteria: Invitae Variant Classification Sherloc (09022015). Collection method: clinical testing. Allele origin: germline.
Comment: This sequence change replaces alanine, which is neutral and non-polar, with threonine, which is neutral and polar, at codon 237 of the ALDH5A1 protein (p.Ala237Thr). This variant is present in population databases (rs62621664, gnomAD 0.004%). This missense change has been observed in individual(s) with succinic semialdehyde dehydrogenase deficiency (internal data). In at least one individual the data is consistent with being in trans (on the opposite chromosome) from a pathogenic variant. It has also been observed to segregate with disease in related individuals. ClinVar contains an entry for this variant (Variation ID: 904924). Invitae Evidence Modeling of protein sequence and biophysical properties (such as structural, functional, and spatial information, amino acid conservation, physicochemical variation, residue mobility, and thermodynamic stability) has been performed for this missense variant. However, the output from this modeling did not meet the statistical confidence thresholds required to predict the impact of this variant on ALDH5A1 protein function. Experimental studies have shown that this missense change affects ALDH5A1 function (PMID: 32402538). In summary, the currently available evidence indicates that the variant is pathogenic, but additional data are needed to prove that conclusively. Therefore, this variant has been classified as Likely Pathogenic.

GeneDx
Classification: Uncertain significance. Last evaluated: 2025-06-30. Review status: criteria provided, single submitter. Criteria: GeneDx Variant Classification Process June 2021. Collection method: clinical testing. Allele origin: germline. Affected: yes.
Comment: Reportedly observed with deletions or other verified pathogenic missense variants on the opposite allele (in trans) in a patient with suspected succinic semialdehyde dehydrogenase deficiency in published literature; however, the variants were not provided (PMID: 32402538); Published functional study suggests reduced but still significant enzymatic activity compared to wildtype (PMID: 32402538); Not observed at significant frequency in large population cohorts (gnomAD); In silico analysis supports that this missense variant has a deleterious effect on protein structure/function; This variant is associated with the following publications: (PMID: 33203024, 28191889, 12208142, 29895405, 32402538)

Mayo Clinic Laboratories, Mayo Clinic
Classification: Uncertain significance. Last evaluated: 2024-05-29. Review status: criteria provided, single submitter. Criteria: ACMG Guidelines, 2015. Collection method: clinical testing. Allele origin: germline. Observed: 1 variant allele.
Comment: PP3, PM2, PS3_moderate

Blueprint Genetics
Classification: Uncertain significance. Last evaluated: 2023-11-16. Review status: criteria provided, single submitter. Criteria: ACMG Guidelines, 2015. Collection method: clinical testing. Allele origin: germline.

Elsea Laboratory, Baylor College of Medicine
Classification: Likely pathogenic for Succinate-semialdehyde dehydrogenase deficiency. Last evaluated: 2021-03-08. Review status: criteria provided, single submitter. Criteria: Martin et al. (J Child Neurol. 2021). Collection method: curation. Allele origin: germline. Affected: yes.
Comment: reduced enzyme activity ~36%; pathogenic in combination with other variants (Menduti et al 2018); c.709G>A variant has ~65% enzyme activity; NAD binding domain

Literature cited by the submitters: PubMed 32402538 (cited by 3 submitters); PubMed 12208142 (cited by Mayo Clinic Laboratories, Mayo Clinic); PubMed 29895405 (cited by Mayo Clinic Laboratories, Mayo Clinic and Elsea Laboratory, Baylor College of Medicine); PubMed 33203024 (cited by Mayo Clinic Laboratories, Mayo Clinic and Elsea Laboratory, Baylor College of Medicine).

NM_001080.3(ALDH5A1):c.709G>A (p.Ala237Thr)

Gene: ALDH5A1 (aldehyde dehydrogenase 5 family member A1; plus strand). Cytogenetic location: 6p22.3.
Variant type: single nucleotide variant.
Coding change: c.709G>A on transcript NM_001080.3 (MANE Select); coding-DNA position 709, G replaced by A.
Protein change: p.Ala237Thr; replaces alanine 237 with threonine.
Molecular consequence: missense variant.
Genome position (GRCh38, 1-based): chr6:24,504,968, G>A. VCF-style: chr6-24504968-G-A. GRCh37 (hg19) VCF-style: chr6-24505196-G-A.
Other names: p.Ala237Thr; c.709G>A, p.Ala237Thr (NM_001368954.1, NM_170740.1); short protein forms A237T.
Identifiers: ClinVar variation 904924 (VCV000904924.16), dbSNP rs62621664, ClinGen allele CA3656701.